The following is an entry in ClinVar:

NM_001277115.2(DNAH11):c.4168A>G (p.Met1390Val)

Gene: DNAH11 (dynein axonemal heavy chain 11; plus strand). Cytogenetic location: 7p15.3.
Variant type: single nucleotide variant.
Coding change: c.4168A>G on transcript NM_001277115.2 (MANE Select); coding-DNA position 4168, A replaced by G.
Protein change: p.Met1390Val; replaces methionine 1390 with valine.
Molecular consequence: missense variant.
Genome position (GRCh38, 1-based): chr7:21,617,691, A>G. VCF-style: chr7-21617691-A-G. GRCh37 (hg19) VCF-style: chr7-21657309-A-G.
Other names: c.4183A>G, p.Met1395Val (NM_003777.3); short protein forms M1390V, M1395V.
Identifiers: ClinVar variation 1738386 (VCV001738386.5), dbSNP rs759282487, ClinGen allele CA4179929.
Genomic context (GRCh38, chr7:21,617,691, plus strand): 5'-CTCAACAAGGAAGTCCGCGTCTGGGATGCTTACACGGGCCTGGAAGGCACAGTTAAGGAC[A>G]TGACAGCCTCCCTGAGGGCCATCACAGAGTTACAGAGCCCTGCCCTCAGGGACAGGCATT-3'
Protein context (NP_001264044.1, residues 1380-1400): YTGLEGTVKD[Met1390Val]TASLRAITEL

ClinVar aggregate classification (germline): Conflicting classifications of pathogenicity. Review status: criteria provided, conflicting classifications (1 of 4 stars). 2 submissions from 2 submitters: Uncertain significance (1); Likely benign (1). Last evaluated 2025-07-09.

Conditions:
Primary ciliary dyskinesia. Also called: Ciliary dyskinesia. Identifiers: Orphanet 244, MedGen C0008780, MONDO:0016575, HP:0012265.

Allele frequency attached by ClinVar (database versions not stated): ExAC 0.00001; TOPMed 0.00003; gnomAD 0.00004.

Submissions (2):

Labcorp Genetics (formerly Invitae), Labcorp
Classification: Likely benign for Primary ciliary dyskinesia. Last evaluated: 2025-07-09. Review status: criteria provided, single submitter. Criteria: Invitae Variant Classification Sherloc (09022015). Collection method: clinical testing. Allele origin: germline.

Ambry Genetics
Classification: Uncertain significance for Primary ciliary dyskinesia. Last evaluated: 2021-07-22. Review status: criteria provided, single submitter. Criteria: Ambry Variant Classification Scheme 2023. Collection method: clinical testing. Allele origin: germline.
Comment: The p.M1390V variant (also known as c.4168A>G), located in coding exon 23 of the DNAH11 gene, results from an A to G substitution at nucleotide position 4168. The methionine at codon 1390 is replaced by valine, an amino acid with highly similar properties. This amino acid position is conserved. In addition, this alteration is predicted to be tolerated by in silico analysis. Since supporting evidence is limited at this time, the clinical significance of this alteration remains unclear.